The following is an entry in ClinVar:

ClinVar aggregate classification (germline): Uncertain significance. Review status: criteria provided, multiple submitters, no conflicts (2 of 4 stars). 2 submissions from 2 submitters: Uncertain significance (2). Last evaluated 2023-11-27.

Conditions:
Developmental and epileptic encephalopathy, 37 (DEE37). Also called: Epileptic encephalopathy, early infantile, 37. Identifiers: MedGen C4310770, MONDO:0014859, OMIM 616981.

Allele frequency attached by ClinVar (database versions not stated): gnomAD exomes below 0.00001; TOPMed below 0.00001.

Submissions (2):

Labcorp Genetics (formerly Invitae), Labcorp
Classification: Uncertain significance for Developmental and epileptic encephalopathy, 37. Last evaluated: 2023-11-27. Review status: criteria provided, single submitter. Criteria: Invitae Variant Classification Sherloc (09022015). Collection method: clinical testing. Allele origin: germline.
Comment: This sequence change replaces arginine, which is basic and polar, with tryptophan, which is neutral and slightly polar, at codon 98 of the FRRS1L protein (p.Arg98Trp). The frequency data for this variant in the population databases is considered unreliable, as metrics indicate poor data quality at this position in the gnomAD database. This variant has not been reported in the literature in individuals affected with FRRS1L-related conditions. ClinVar contains an entry for this variant (Variation ID: 1475832). An algorithm developed to predict the effect of missense changes on protein structure and function (PolyPhen-2) suggests that this variant is likely to be tolerated. In summary, the available evidence is currently insufficient to determine the role of this variant in disease. Therefore, it has been classified as a Variant of Uncertain Significance.

GeneDx
Classification: Uncertain significance. Last evaluated: 2022-02-15. Review status: criteria provided, single submitter. Criteria: GeneDx Variant Classification Process June 2021. Collection method: clinical testing. Allele origin: germline. Affected: yes.
Comment: In silico analysis supports that this missense variant does not alter protein structure/function; Has not been previously published as pathogenic or benign to our knowledge

NM_014334.4(FRRS1L):c.139C>T (p.Arg47Trp)

Gene: FRRS1L (ferric chelate reductase 1 like; minus strand). Cytogenetic location: 9q31.3.
Variant type: single nucleotide variant.
Coding change: c.139C>T on transcript NM_014334.4 (MANE Select); coding-DNA position 139, C replaced by T.
Protein change: p.Arg47Trp; replaces arginine 47 with tryptophan.
Molecular consequence: missense variant.
Genome position (GRCh38, 1-based): chr9:109,167,000, G>A on the plus strand (C>T on the coding strand, the complement: FRRS1L is on the minus strand). VCF-style: chr9-109167000-G-A. GRCh37 (hg19) VCF-style: chr9-111929280-G-A.
Other names: short protein forms R47W.
Identifiers: ClinVar variation 1475832 (VCV001475832.9), dbSNP rs1214270752, ClinGen allele CA374430427.